The following is an entry in ClinVar:

ClinVar aggregate classification (germline): Uncertain significance (1 of 4 stars; one submission).

Conditions:
Brachyolmia-amelogenesis imperfecta syndrome. Also called: PLATYSPONDYLY WITH AMELOGENESIS IMPERFECTA; Tooth agenesis, selective, 6; Dental anomalies and short stature. Identifiers: Orphanet 2899, MedGen C1832594, MONDO:0011018, OMIM 601216. Disease mechanism: loss of function.

Allele frequency attached by ClinVar (database versions not stated): ExAC 0.00001; gnomAD exomes 0.00001; gnomAD 0.00003 and 0.00004; TOPMed 0.00004.
gnomAD v4.1: 11 of 1,613,764 alleles (0.00068%); highest among the groups gnomAD compares: Non-Finnish European, 0.00093%; no homozygotes.

Submission:

Labcorp Genetics (formerly Invitae), Labcorp
Classification: Uncertain significance for Brachyolmia-amelogenesis imperfecta syndrome. Last evaluated: 2025-10-03. Review status: criteria provided, single submitter. Criteria: Invitae Variant Classification Sherloc (09022015). Collection method: clinical testing. Allele origin: germline.
Comment: This sequence change replaces histidine, which is basic and polar, with tyrosine, which is neutral and polar, at codon 611 of the LTBP3 protein (p.His611Tyr). This variant is present in population databases (rs752399244, gnomAD 0.002%). This variant has not been reported in the literature in individuals affected with LTBP3-related conditions. ClinVar contains an entry for this variant (Variation ID: 1435578). An algorithm developed to predict the effect of missense changes on protein structure and function (PolyPhen-2) suggests that this variant is likely to be tolerated. In summary, the available evidence is currently insufficient to determine the role of this variant in disease. Therefore, it has been classified as a Variant of Uncertain Significance.

NM_001130144.3(LTBP3):c.1831C>T (p.His611Tyr)

Gene: LTBP3 (latent transforming growth factor beta binding protein 3; minus strand). Cytogenetic location: 11q13.1.
Variant type: single nucleotide variant.
Coding change: c.1831C>T on transcript NM_001130144.3 (MANE Select); coding-DNA position 1831, C replaced by T.
Protein change: p.His611Tyr; replaces histidine 611 with tyrosine.
Molecular consequence: missense variant.
Genome position (GRCh38, 1-based): chr11:65,547,935, G>A on the plus strand (C>T on the coding strand, the complement: LTBP3 is on the minus strand). VCF-style: chr11-65547935-G-A. GRCh37 (hg19) VCF-style: chr11-65315406-G-A.
Other names: c.1480C>T, p.His494Tyr (NM_001164266.1); c.1831C>T, p.His611Tyr (NM_021070.4); short protein forms H611Y, H494Y.
Identifiers: ClinVar variation 1435578 (VCV001435578.6), dbSNP rs752399244, ClinGen allele CA6100846.